The following is an entry in ClinVar:

NM_018263.6(ASXL2):c.2343A>T (p.Pro781=)

Gene: ASXL2 (ASXL transcriptional regulator 2; minus strand). Cytogenetic location: 2p23.3.
Variant type: single nucleotide variant.
Coding change: c.2343A>T on transcript NM_018263.6 (MANE Select); coding-DNA position 2343, A replaced by T.
Protein change: p.Pro781=; no amino-acid change (proline 781 retained).
Molecular consequence: synonymous variant.
Genome position (GRCh38, 1-based): chr2:25,743,994, T>A on the plus strand (A>T on the coding strand, the complement: ASXL2 is on the minus strand). VCF-style: chr2-25743994-T-A. GRCh37 (hg19) VCF-style: chr2-25966863-T-A.
Other names: c.2169A>T, p.Pro723= (NM_001369346.1); c.1563A>T, p.Pro521= (NM_001369347.1).
Identifiers: ClinVar variation 1562902 (VCV001562902.32), dbSNP rs182514146, ClinGen allele CA1557657.
Genomic context (GRCh38, chr2:25,743,994, plus strand): 5'-CAATTTCTCTATGTGGGCTGGTGATGGGACACTTGTGCATGCTCCACTGACGGCAGGTGT[T>A]GGAGGCACTGGGGGGGTTTGCTGTAGTTGTGCTCCAGAGACACTATGAGGCTGTGCCTGG-3'
Protein context (NP_060733.4, residues 771-791): AQLQQTPPVP[Pro781=]TPAVSGACTS

ClinVar aggregate classification (germline): Benign/Likely benign. Review status: criteria provided, multiple submitters, no conflicts (2 of 4 stars). 3 submissions from 3 submitters: Benign (1); Likely benign (2). Last evaluated 2026-01-12.

Allele frequency attached by ClinVar (database versions not stated): 1000 Genomes Project 30x 0.00031; 1000 Genomes Project 0.00040; ESP Exome Variant Server 0.00080; TOPMed 0.00083; gnomAD 0.00108 and 0.00112; gnomAD exomes 0.00122 and 0.00130; ExAC 0.00131.
gnomAD v4.1: 1,935 of 1,613,966 alleles (0.12%); highest among the groups gnomAD compares: Non-Finnish European, 0.13%; 7 homozygotes.

Submissions (3):

Labcorp Genetics (formerly Invitae), Labcorp
Classification: Benign. Last evaluated: 2026-01-12. Review status: criteria provided, single submitter. Criteria: Invitae Variant Classification Sherloc (09022015). Collection method: clinical testing. Allele origin: germline.

CeGaT Center for Human Genetics Tuebingen
Classification: Likely benign. Last evaluated: 2025-04-01. Review status: criteria provided, single submitter. Criteria: CeGaT Center For Human Genetics Tuebingen Variant Classification Criteria Version 2. Collection method: clinical testing. Allele origin: germline. Affected: yes. Observed: 7 variant alleles.
Comment: ASXL2: BP4, BP7

Blueprint Genetics
Classification: Likely benign. Last evaluated: 2024-11-23. Review status: criteria provided, single submitter. Criteria: ACMG Guidelines, 2015. Collection method: clinical testing. Allele origin: germline.